The following is an entry in ClinVar:

ClinVar aggregate classification (germline): Uncertain significance (1 of 4 stars; one submission).

Conditions:
Neuroblastoma, susceptibility to, 3. Also called: ALK-Related Neuroblastic Tumor Susceptibility. Identifiers: Orphanet 635, MedGen C2751681, MONDO:0013083, OMIM 613014.

Submission:

Labcorp Genetics (formerly Invitae), Labcorp
Classification: Uncertain significance for Neuroblastoma, susceptibility to, 3. Last evaluated: 2018-11-04. Review status: criteria provided, single submitter. Criteria: Invitae Variant Classification Sherloc (09022015). Collection method: clinical testing. Allele origin: germline.
Comment: In summary, the available evidence is currently insufficient to determine the role of this variant in disease. Therefore, it has been classified as a Variant of Uncertain Significance. The current clinical and genetic evidence is not sufficient to establish whether loss-of-function variants in ALK cause disease. This variant has not been reported in the literature in individuals with ALK-related disease. This variant is not present in population databases (ExAC no frequency). This sequence change creates a premature translational stop signal (p.Trp726*) in the ALK gene. It is expected to result in an absent or disrupted protein product.

NM_004304.5(ALK):c.2177G>A (p.Trp726Ter)

Gene: ALK (ALK receptor tyrosine kinase; minus strand). Cytogenetic location: 2p23.2.
Variant type: single nucleotide variant.
Coding change: c.2177G>A on transcript NM_004304.5 (MANE Select); coding-DNA position 2177, G replaced by A.
Protein change: p.Trp726Ter; replaces tryptophan 726 with a stop codon.
Molecular consequence: nonsense.
Genome position (GRCh38, 1-based): chr2:29,251,132, C>T on the plus strand (G>A on the coding strand, the complement: ALK is on the minus strand). VCF-style: chr2-29251132-C-T. GRCh37 (hg19) VCF-style: chr2-29473998-C-T.
Other names: short protein forms W726*.
Identifiers: ClinVar variation 651797 (VCV000651797.6), dbSNP rs1573160453, ClinGen allele CA346476764.
Genomic context (GRCh38, chr2:29,251,132, plus strand): 5'-TCTGCCCCTCCCCTCCCCCTCTTCCATACGCACCTGTAGGTGTCGGTGGCTGGCACCTTC[C>T]AGATCTGGATGCCTTTCAGGGGGCCCTCGCTCCCCACCTCCACGCTCAGGTTGGAGTTCT-3'